The following is an entry in ClinVar:

NM_172250.3(MMAA):c.1145del (p.His382fs)

Gene: MMAA (metabolism of cobalamin associated A; plus strand). Cytogenetic location: 4q31.21.
Variant type: Deletion.
Coding change: c.1145del on transcript NM_172250.3 (MANE Select); coding-DNA position 1145, one base deleted (A; older notation c.1145delA).
Protein change: p.His382fs; shifts the reading frame from histidine 382.
Molecular consequence: frameshift variant.
Genome position (GRCh38, 1-based): chr4:145,655,322, A deleted. VCF-style (leftmost placement, unchanged base first): chr4-145655321-CA-C. GRCh37 (hg19) VCF-style: chr4-146576473-CA-C.
Other names: c.1145del, p.His382fs (NM_001375644.1); short protein forms H382fs.
Identifiers: ClinVar variation 2692621 (VCV002692621.3), dbSNP rs2546345991, ClinGen allele CA2695203866.
Genomic context (GRCh38, chr4:145,655,321, plus strand): 5'-CAACAGAAAGTTTGGATGTGGAATCTCATTCAGGAAAGTGTGTTAGAGCATTTCAGGACC[CA>C]CCCCACAGTCCGGGAACAGATTCCACTTCTGGAACAAAAGGTTCTCATTGGGGCCCTGTC-3'

ClinVar aggregate classification (germline): Likely pathogenic (1 of 4 stars; one submission).

Conditions:
Methylmalonic aciduria, cblA type (MACA). Also called: Methylmalonic aciduria, vitamin b12-responsive, due to defect in synthesis of adenosylcobalamin, cbla complementation type; MMA cbl A type; Methylmalonic acidemia cblA type; Methylmalonic aciduria, vitamin B12-responsive; Vitamin B12-responsive methylmalonic acidemia type cblA. Identifiers: Orphanet 28, Orphanet 79310, MedGen C1855109, MONDO:0009613, OMIM 251100.

Submission:

Labcorp Genetics (formerly Invitae), Labcorp
Classification: Likely pathogenic for Methylmalonic aciduria, cblA type. Last evaluated: 2023-11-02. Review status: criteria provided, single submitter. Criteria: Invitae Variant Classification Sherloc (09022015). Collection method: clinical testing. Allele origin: germline.
Comment: This sequence change creates a premature translational stop signal (p.His382Profs*24) in the MMAA gene. While this is not anticipated to result in nonsense mediated decay, it is expected to disrupt the last 37 amino acid(s) of the MMAA protein. This variant is not present in population databases (gnomAD no frequency). This premature translational stop signal has been observed in individuals with cobalamin A type methylmalonic aciduria (PMID: 33453710). This variant disrupts a region of the MMAA protein in which other variant(s) (p.Gly399Val ) have been observed in individuals with MMAA-related conditions (PMID: 32754920). This suggests that this is a clinically significant region of the protein, and that variants that disrupt it are likely to be disease-causing. In summary, the currently available evidence indicates that the variant is pathogenic, but additional data are needed to prove that conclusively. Therefore, this variant has been classified as Likely Pathogenic.

Literature cited by the submitters: PubMed 33453710; PubMed 32754920.